The following is an entry in ClinVar:

NM_003036.4(SKI):c.1205G>A (p.Arg402Gln)

Gene: SKI (SKI proto-oncogene; plus strand). Cytogenetic location: 1p36.32.
Variant type: single nucleotide variant.
Coding change: c.1205G>A on transcript NM_003036.4 (MANE Select); coding-DNA position 1205, G replaced by A.
Protein change: p.Arg402Gln; replaces arginine 402 with glutamine.
Molecular consequence: missense variant.
Genome position (GRCh38, 1-based): chr1:2,303,394, G>A. VCF-style: chr1-2303394-G-A. GRCh37 (hg19) VCF-style: chr1-2234833-G-A.
Other names: short protein forms R402Q.
Identifiers: ClinVar variation 409972 (VCV000409972.16), dbSNP rs557289756, ClinGen allele CA536612.

ClinVar aggregate classification (germline): Conflicting classifications of pathogenicity. Review status: criteria provided, conflicting classifications (1 of 4 stars). 4 submissions from 4 submitters: Uncertain significance (3); Likely benign (1). Last evaluated 2025-09-29.

Conditions:
Shprintzen-Goldberg syndrome (SGS). Also called: CRANIOSYNOSTOSIS WITH ARACHNODACTYLY AND ABDOMINAL HERNIAS; SHPRINTZEN-GOLDBERG CRANIOSYNOSTOSIS SYNDROME; Marfanoid disorder with craniosynostosis type 1; Marfanoid craniosynostosis syndrome; Shprintzen-Goldberg marfanoid syndrome. Identifiers: Orphanet 2462, MedGen C1321551, MONDO:0008426, OMIM 182212.
Familial thoracic aortic aneurysm and aortic dissection (TAAD). Also called: Thoracic aortic aneurysms and dissections. Identifiers: Orphanet 91387, MedGen C4707243, MONDO:0019625.

Allele frequency attached by ClinVar (database versions not stated): ExAC 0.00002; TOPMed 0.00001; 1000 Genomes Project 30x 0.00016; 1000 Genomes Project 0.00020.

Submissions (4):

Dasa
Classification: Uncertain significance. Last evaluated: 2025-09-29. Review status: criteria provided, single submitter. Criteria: DASA Assertion Criteria. Collection method: clinical testing. Allele origin: germline.
Comment: NM_003036.4(SKI):c.1205G>A (p.Arg402Gln) is a missense variant that results in the substitution of arginine with glutamine. This variant is rare in population databases. Computational prediction algorithms are consistent with a deleterious effect. The currently available literature and clinical evidence are not sufficient to establish a definitive association between this variant and the reported condition. Therefore, this variant is classified as a variant of uncertain significance.

Labcorp Genetics (formerly Invitae), Labcorp
Classification: Likely benign for Shprintzen-Goldberg syndrome. Last evaluated: 2025-03-10. Review status: criteria provided, single submitter. Criteria: Invitae Variant Classification Sherloc (09022015). Collection method: clinical testing. Allele origin: germline.

Ambry Genetics
Classification: Uncertain significance for Familial thoracic aortic aneurysm and aortic dissection. Last evaluated: 2024-04-12. Review status: criteria provided, single submitter. Criteria: Ambry Variant Classification Scheme 2023. Collection method: clinical testing. Allele origin: germline.
Comment: The p.R402Q variant (also known as c.1205G>A), located in coding exon 3 of the SKI gene, results from a G to A substitution at nucleotide position 1205. The arginine at codon 402 is replaced by glutamine, an amino acid with highly similar properties. This amino acid position is conserved. In addition, the in silico prediction for this alteration is inconclusive. Since supporting evidence is limited at this time, the clinical significance of this alteration remains unclear.

Revvity Omics, Revvity
Classification: Uncertain significance for Shprintzen-Goldberg syndrome. Last evaluated: 2023-10-27. Review status: criteria provided, single submitter. Criteria: ACMG Guidelines, 2015. Collection method: clinical testing. Allele origin: germline.